The following is an entry in ClinVar:

NM_001040151.2(SCN3B):c.55+66T>C

Gene: SCN3B (sodium voltage-gated channel beta subunit 3; minus strand). Cytogenetic location: 11q24.1.
Variant type: single nucleotide variant.
Coding change: c.55+66T>C on transcript NM_001040151.2 (MANE Select); 66 bases into the intron after coding-DNA position 55, T replaced by C.
Molecular consequence: intron variant.
Genome position (GRCh38, 1-based): chr11:123,653,681, A>G on the plus strand (T>C on the coding strand, the complement: SCN3B is on the minus strand). VCF-style: chr11-123653681-A-G. GRCh37 (hg19) VCF-style: chr11-123524389-A-G.
Other names: c.55+66T>C (NM_018400.4).
Identifiers: ClinVar variation 673268 (VCV000673268.2), dbSNP rs8192616, ClinGen allele CA229988995.

ClinVar aggregate classification (germline): Likely benign. Review status: criteria provided, multiple submitters, no conflicts (2 of 4 stars). 2 submissions from 2 submitters: Likely benign (2). Last evaluated 2018-06-19.

Allele frequency attached by ClinVar (database versions not stated): ESP Exome Variant Server 0.00613; gnomAD exomes 0.01403; gnomAD 0.01938 and 0.02172; TOPMed 0.02927; 1000 Genomes Project 30x 0.04372; 1000 Genomes Project 0.04433.
gnomAD v4.1: 23,109 of 1,560,986 alleles (1.5%); highest among the groups gnomAD compares: Admixed American, 16%; 1,326 homozygotes.

Submissions (2):

GeneDx
Classification: Likely benign. Last evaluated: 2018-06-19. Review status: criteria provided, single submitter. Criteria: GeneDx Variant Classification (06012015). Collection method: clinical testing. Allele origin: germline. Affected: yes.
Comment: This variant is considered likely benign or benign based on one or more of the following criteria: it is a conservative change, it occurs at a poorly conserved position in the protein, it is predicted to be benign by multiple in silico algorithms, and/or has population frequency not consistent with disease.

Breakthrough Genomics
Classification: Likely benign. Review status: criteria provided, single submitter. Criteria: ACMG Guidelines, 2015. Collection method: not provided. Allele origin: germline. Inheritance: Autosomal dominant inheritance. Affected: yes.